The following is an entry in ClinVar:

ClinVar aggregate classification (germline): Uncertain significance (1 of 4 stars; one submission).

Conditions:
Common variable immunodeficiency (CVID). Also called: Common variable hypogamma-globulinemia; Common variable agammaglobulinemia. Identifiers: Orphanet 1572, MedGen C0009447, MONDO:0015517.

Allele frequency attached by ClinVar (database versions not stated): ExAC 0.00001; TOPMed 0.00002; gnomAD 0.00001; gnomAD exomes 0.00002; ESP Exome Variant Server 0.00008.

Submission:

Labcorp Genetics (formerly Invitae), Labcorp
Classification: Uncertain significance for Common variable immunodeficiency. Last evaluated: 2024-08-26. Review status: criteria provided, single submitter. Criteria: Invitae Variant Classification Sherloc (09022015). Collection method: clinical testing. Allele origin: germline.
Comment: This sequence change replaces arginine, which is basic and polar, with glutamine, which is neutral and polar, at codon 157 of the TNFSF12 protein (p.Arg157Gln). The frequency data for this variant in the population databases is considered unreliable, as metrics indicate poor data quality at this position in the gnomAD database. This variant has not been reported in the literature in individuals affected with TNFSF12-related conditions. ClinVar contains an entry for this variant (Variation ID: 2060580). An algorithm developed to predict the effect of missense changes on protein structure and function (PolyPhen-2) suggests that this variant is likely to be disruptive. In summary, the available evidence is currently insufficient to determine the role of this variant in disease. Therefore, it has been classified as a Variant of Uncertain Significance.

NM_003809.3(TNFSF12):c.470G>A (p.Arg157Gln)

Genes: TNFSF12 (TNF superfamily member 12; plus strand), TNFSF12-TNFSF13 (TNFSF12-TNFSF13 readthrough; plus strand). Cytogenetic location: 17p13.1.
Variant type: single nucleotide variant.
Coding change: c.470G>A on transcript NM_003809.3 (MANE Select); coding-DNA position 470, G replaced by A.
Protein change: p.Arg157Gln; replaces arginine 157 with glutamine.
Molecular consequence: missense variant. On other transcripts: non-coding transcript variant (1).
Genome position (GRCh38, 1-based): chr17:7,556,874, G>A. VCF-style: chr17-7556874-G-A. GRCh37 (hg19) VCF-style: chr17-7460191-G-A.
Other names: c.470G>A, p.Arg157Gln (NM_172089.4); short protein forms R157Q.
Identifiers: ClinVar variation 2060580 (VCV002060580.4), dbSNP rs371341735, ClinGen allele CA8350839.